The following is an entry in ClinVar:

NM_015466.4(PTPN23):c.1331-14A>G

Gene: PTPN23 (protein tyrosine phosphatase non-receptor type 23; plus strand). Cytogenetic location: 3p21.31.
Variant type: single nucleotide variant.
Coding change: c.1331-14A>G on transcript NM_015466.4 (MANE Select); 14 bases into the intron before coding-DNA position 1331, A replaced by G.
Molecular consequence: intron variant.
Genome position (GRCh38, 1-based): chr3:47,408,762, A>G. VCF-style: chr3-47408762-A-G. GRCh37 (hg19) VCF-style: chr3-47450252-A-G.
Other names: c.953-14A>G (NM_001304482.2).
Identifiers: ClinVar variation 1362344 (VCV001362344.8), dbSNP rs2107719073, ClinGen allele CA2573137176.

ClinVar aggregate classification (germline): Uncertain significance (1 of 4 stars; one submission).

Allele frequency attached by ClinVar (database versions not stated): gnomAD exomes below 0.00001.
gnomAD v4.1: 1 of 1,574,282 alleles (0.000064%); highest among the groups gnomAD compares: Non-Finnish European, 0.000086%; no homozygotes.

Submission:

Labcorp Genetics (formerly Invitae), Labcorp
Classification: Uncertain significance. Last evaluated: 2021-06-19. Review status: criteria provided, single submitter. Criteria: Invitae Variant Classification Sherloc (09022015). Collection method: clinical testing. Allele origin: germline.
Comment: This sequence change falls in intron 15 of the PTPN23 gene. It does not directly change the encoded amino acid sequence of the PTPN23 protein. In summary, the available evidence is currently insufficient to determine the role of this variant in disease. Therefore, it has been classified as a Variant of Uncertain Significance. Algorithms developed to predict the effect of sequence changes on RNA splicing suggest that this variant may create or strengthen a splice site, but this prediction has not been confirmed by published transcriptional studies. This variant has not been reported in the literature in individuals with PTPN23-related conditions. This variant is not present in population databases (ExAC no frequency).